The following is an entry in ClinVar:

ClinVar aggregate classification (germline): Uncertain significance. Review status: criteria provided, multiple submitters, no conflicts (2 of 4 stars). 2 submissions from 2 submitters: Uncertain significance (2). Last evaluated 2026-06-17.

Conditions:
VWF-related disorder. Also called: VWF-related disorders; VWF-related condition.

gnomAD v4.1: 28 of 1,613,698 alleles (0.0017%); highest among the groups gnomAD compares: Admixed American, 0.025%; no homozygotes.

Submissions (2):

PreventionGenetics, part of Exact Sciences
Classification: Uncertain significance for VWF-related condition. Last evaluated: 2026-06-17. Review status: criteria provided, single submitter. Criteria: ACMG Guidelines, 2015. Collection method: clinical testing. Allele origin: germline.
Comment: The VWF c.7070A>T variant is predicted to result in the amino acid substitution p.Asn2357Ile. This variant was reported in an individual with Von Willebrand disease type 2A but the disorder segregated with a different variant of VWF (Table S5, Borràs et al. 2017. PubMed ID: 28971901). This variant is reported in 0.0057% of alleles in individuals of Latino descent in gnomAD. At this time, the clinical significance of this variant is uncertain due to the absence of conclusive functional and genetic evidence.

Quest Diagnostics Nichols Institute San Juan Capistrano
Classification: Uncertain significance. Last evaluated: 2025-03-07. Review status: criteria provided, single submitter. Criteria: Quest Diagnostics criteria. Collection method: clinical testing. Allele origin: unknown.
Comment: The VWF c.7070A>T (p.Asn2357Ile) variant has not been reported in individuals with VWF-related conditions in the published literature. The frequency of this variant in the general population (Genome Aggregation Database) is uninformative in the assessment of its pathogenicity. Analysis of this variant using bioinformatics tools for the prediction of the effect of amino acid changes on protein structure and function yielded conflicting predictions that this variant is deleterious or benign. Based on the available information, we are unable to determine the clinical significance of this variant.

NM_000552.5(VWF):c.7070A>T (p.Asn2357Ile)

Gene: VWF (von Willebrand factor; minus strand). Cytogenetic location: 12p13.31.
Variant type: single nucleotide variant.
Coding change: c.7070A>T on transcript NM_000552.5 (MANE Select); coding-DNA position 7070, A replaced by T.
Protein change: p.Asn2357Ile; replaces asparagine 2357 with isoleucine.
Molecular consequence: missense variant.
Genome position (GRCh38, 1-based): chr12:5,983,161, T>A on the plus strand (A>T on the coding strand, the complement: VWF is on the minus strand). VCF-style: chr12-5983161-T-A. GRCh37 (hg19) VCF-style: chr12-6092327-T-A.
Other names: short protein forms N2357I.
Identifiers: ClinVar variation 4533019 (VCV004533019.2).